The following is an entry in ClinVar:

NM_002692.4(POLE2):c.1477G>A (p.Glu493Lys)

Gene: POLE2 (DNA polymerase epsilon 2, accessory subunit; minus strand). Cytogenetic location: 14q21.3.
Variant type: single nucleotide variant.
Coding change: c.1477G>A on transcript NM_002692.4 (MANE Select); coding-DNA position 1477, G replaced by A.
Protein change: p.Glu493Lys; replaces glutamic acid 493 with lysine.
Molecular consequence: missense variant.
Genome position (GRCh38, 1-based): chr14:49,650,285, C>T on the plus strand (G>A on the coding strand, the complement: POLE2 is on the minus strand). VCF-style: chr14-49650285-C-T. GRCh37 (hg19) VCF-style: chr14-50117003-C-T.
Other names: c.1399G>A, p.Glu467Lys (NM_001197330.2); c.1477G>A, p.Glu493Lys (NM_001197331.3); c.1474G>A, p.Glu492Lys (NM_001348384.2); c.1246G>A, p.Glu416Lys (NM_001348385.2); short protein forms E492K, E493K, E416K, E467K.
Identifiers: ClinVar variation 2997297 (VCV002997297.3), dbSNP rs751338245, ClinGen allele CA7173264.

ClinVar aggregate classification (germline): Uncertain significance (1 of 4 stars; one submission).

Allele frequency attached by ClinVar (database versions not stated): TOPMed below 0.00001.
gnomAD v4.1: 8 of 1,599,322 alleles (0.0005%); highest among the groups gnomAD compares: South Asian, 0.0045%; no homozygotes.

Submission:

Labcorp Genetics (formerly Invitae), Labcorp
Classification: Uncertain significance. Last evaluated: 2023-01-25. Review status: criteria provided, single submitter. Criteria: Invitae Variant Classification Sherloc (09022015). Collection method: clinical testing. Allele origin: germline.
Comment: In summary, the available evidence is currently insufficient to determine the role of this variant in disease. Therefore, it has been classified as a Variant of Uncertain Significance. Algorithms developed to predict the effect of missense changes on protein structure and function (SIFT, PolyPhen-2, Align-GVGD) all suggest that this variant is likely to be tolerated. This variant has not been reported in the literature in individuals affected with POLE2-related conditions. This variant is present in population databases (rs751338245, gnomAD 0.007%). This sequence change replaces glutamic acid, which is acidic and polar, with lysine, which is basic and polar, at codon 493 of the POLE2 protein (p.Glu493Lys).